The following is an entry in ClinVar:

NM_001018005.2(TPM1):c.375-262G>A

Gene: TPM1 (tropomyosin 1; plus strand). Cytogenetic location: 15q22.2.
Variant type: single nucleotide variant.
Coding change: c.375-262G>A on transcript NM_001018005.2 (MANE Select); 262 bases into the intron before coding-DNA position 375, G replaced by A.
Molecular consequence: intron variant.
Genome position (GRCh38, 1-based): chr15:63,059,301, G>A. VCF-style: chr15-63059301-G-A. GRCh37 (hg19) VCF-style: chr15-63351500-G-A.
Other names: c.501-262G>A (NM_001365778.1); c.375-262G>A (NM_001018020.2, NM_001018007.2, NM_001018006.2 and 6 more transcripts); c.267-262G>A (NM_001330351.2, NM_001330344.2, NM_001018008.2 and 5 more transcripts).
Identifiers: ClinVar variation 669571 (VCV000669571.1), dbSNP rs116860970, ClinGen allele CA272032453.

ClinVar aggregate classification (germline): Likely benign (1 of 4 stars; one submission).

Allele frequency attached by ClinVar (database versions not stated): gnomAD 0.01050 and 0.01142; TOPMed 0.01138; 1000 Genomes Project 0.01657; 1000 Genomes Project 30x 0.01749.
gnomAD v4.1: 1,733 of 152,264 alleles (1.1%); highest among the groups gnomAD compares: South Asian, 4%; 20 homozygotes.

Submission:

GeneDx
Classification: Likely benign. Last evaluated: 2018-06-16. Review status: criteria provided, single submitter. Criteria: GeneDx Variant Classification (06012015). Collection method: clinical testing. Allele origin: germline. Affected: yes.
Comment: This variant is considered likely benign or benign based on one or more of the following criteria: it is a conservative change, it occurs at a poorly conserved position in the protein, it is predicted to be benign by multiple in silico algorithms, and/or has population frequency not consistent with disease.